The following is an entry in ClinVar:

ClinVar aggregate classification (germline): Pathogenic (1 of 4 stars; one submission).

Conditions:
Donnai-Barrow syndrome. Also called: DBS/FOAR SYNDROME; FACIOOCULOACOUSTICORENAL SYNDROME. Identifiers: Orphanet 2143, MedGen C1857277, MONDO:0009104, OMIM 222448.

Submission:

Myriad Genetics, Inc.
Classification: Pathogenic for Donnai-Barrow syndrome. Last evaluated: 2025-09-25. Review status: criteria provided, single submitter. Criteria: Myriad Autosomal Dominant, Autosomal Recessive and X-Linked Classification Criteria (2023). Collection method: clinical testing. Allele origin: unknown.
Comment: NM_004525.2(LRP2):c.2449dupA(T817Nfs*11) is expected to be pathogenic in the context of Donnai-Barrow syndrome. This variant is predicted to lead to an abnormal or absent protein product due to the creation of a premature termination codon in LRP2, a gene where loss-of-function variants are known to be pathogenic. Please note: this variant was assessed in the context of healthy population screening.

NM_004525.3(LRP2):c.2449dup (p.Thr817fs)

Gene: LRP2 (LDL receptor related protein 2; minus strand). Cytogenetic location: 2q31.1.
Variant type: Duplication.
Coding change: c.2449dup on transcript NM_004525.3 (MANE Select); coding-DNA position 2449, one base duplicated (A; older notation c.2449dupA).
Protein change: p.Thr817fs; shifts the reading frame from threonine 817.
Molecular consequence: frameshift variant.
Genome position (GRCh38, 1-based): chr2:169,259,089, T duplicated on the plus strand (A on the coding strand, the reverse complement: LRP2 is on the minus strand); the first of 4 consecutive T bases (chr2:169,259,089-169,259,092); duplicating any one gives the same sequence. VCF-style (leftmost placement, unchanged base first): chr2-169259088-G-GT. GRCh37 (hg19) VCF-style: chr2-170115598-G-GT.
Other names: short protein forms T817fs.
Identifiers: ClinVar variation 5015023 (VCV005015023.1).